The following is an entry in ClinVar:

NM_198253.3(TERT):c.1321G>A (p.Glu441Lys)

Gene: TERT (telomerase reverse transcriptase; minus strand). Cytogenetic location: 5p15.33.
Variant type: single nucleotide variant.
Coding change: c.1321G>A on transcript NM_198253.3 (MANE Select); coding-DNA position 1321, G replaced by A.
Protein change: p.Glu441Lys; replaces glutamic acid 441 with lysine.
Molecular consequence: missense variant. On other transcripts: non-coding transcript variant (2).
Genome position (GRCh38, 1-based): chr5:1,293,565, C>T on the plus strand (G>A on the coding strand, the complement: TERT is on the minus strand). VCF-style: chr5-1293565-C-T. GRCh37 (hg19) VCF-style: chr5-1293680-C-T.
Other names: c.1321G>A, p.Glu441Lys (NM_001193376.3, NM_003219.1); short protein forms E441K.
Identifiers: ClinVar variation 1972736 (VCV001972736.5), dbSNP rs2478411559, ClinGen allele CA359086212.

ClinVar aggregate classification (germline): Uncertain significance (1 of 4 stars; one submission).

Conditions:
Dyskeratosis congenita, autosomal dominant 2. Identifiers: MedGen C3151443, MONDO:0013521, OMIM 613989.
Idiopathic Pulmonary Fibrosis. Also called: Idiopathic fibrosing alveolitis, chronic form; idiopathic fibrosing alveolitis. Identifiers: Orphanet 2032, MedGen C1800706, MeSH D054990, MONDO:0800504.

Allele frequency attached by ClinVar (database versions not stated): gnomAD exomes below 0.00001.

Submission:

Labcorp Genetics (formerly Invitae), Labcorp
Classification: Uncertain significance for Dyskeratosis congenita, autosomal dominant 2; Idiopathic Pulmonary Fibrosis. Last evaluated: 2023-03-07. Review status: criteria provided, single submitter. Criteria: Invitae Variant Classification Sherloc (09022015). Collection method: clinical testing. Allele origin: germline.
Comment: This variant has not been reported in the literature in individuals affected with TERT-related conditions. This variant is not present in population databases (gnomAD no frequency). This sequence change replaces glutamic acid, which is acidic and polar, with lysine, which is basic and polar, at codon 441 of the TERT protein (p.Glu441Lys). ClinVar contains an entry for this variant (Variation ID: 1972736). In summary, the available evidence is currently insufficient to determine the role of this variant in disease. Therefore, it has been classified as a Variant of Uncertain Significance. Advanced modeling of protein sequence and biophysical properties (such as structural, functional, and spatial information, amino acid conservation, physicochemical variation, residue mobility, and thermodynamic stability) has been performed at Invitae for this missense variant, however the output from this modeling did not meet the statistical confidence thresholds required to predict the impact of this variant on TERT protein function.